The following is an entry in ClinVar:

NM_000059.4(BRCA2):c.9256+7215C>T

Gene: BRCA2 (BRCA2 DNA repair associated; plus strand). Cytogenetic location: 13q13.1.
Variant type: single nucleotide variant.
Coding change: c.9256+7215C>T on transcript NM_000059.4 (MANE Select); 7215 bases into the intron after coding-DNA position 9256, C replaced by T.
Molecular consequence: intron variant.
Genome position (GRCh38, 1-based): chr13:32,387,360, C>T. VCF-style: chr13-32387360-C-T. GRCh37 (hg19) VCF-style: chr13-32961497-C-T.
Other names: IVS 24+7215C>T.
Identifiers: ClinVar variation 209878 (VCV000209878.1), dbSNP rs11571791, ClinGen allele CA276846.

ClinVar aggregate classification (germline): Benign (3 of 4 stars; one submission).

Conditions:
Breast-ovarian cancer, familial, susceptibility to, 2 (BROVCA2). Also called: BRCA2 Hereditary Breast and Ovarian Cancer. Identifiers: Orphanet 145, MedGen C2675520, MONDO:0012933, OMIM 612555. Disease mechanism: loss of function.

Allele frequency attached by ClinVar (database versions not stated): gnomAD 0.00161 and 0.00229; TOPMed 0.00296; 1000 Genomes Project 30x 0.01093; 1000 Genomes Project 0.01138.
gnomAD v4.1: 346 of 152,132 alleles (0.23%); highest among the groups gnomAD compares: East Asian, 5.6%; 6 homozygotes.

Submission:

Evidence-based Network for the Interpretation of Germline Mutant Alleles (ENIGMA)
Classification: Benign for Breast-ovarian cancer, familial 2. Last evaluated: 2015-01-12. Review status: reviewed by expert panel. Criteria: ENIGMA BRCA1/2 Classification Criteria (2015). Collection method: curation. Allele origin: germline.
Comment: Class 1 not pathogenic based on frequency >1% in an outbred sampleset. Frequency 0.04895 (Asian), derived from 1000 genomes (2012-04-30).